The following is an entry in ClinVar:

NM_001556.3(IKBKB):c.684C>T (p.Pro228=)

Gene: IKBKB (inhibitor of nuclear factor kappa B kinase subunit beta; plus strand). Cytogenetic location: 8p11.21.
Variant type: single nucleotide variant.
Coding change: c.684C>T on transcript NM_001556.3 (MANE Select); coding-DNA position 684, C replaced by T.
Protein change: p.Pro228=; no amino-acid change (proline 228 retained).
Molecular consequence: synonymous variant. On other transcripts: non-coding transcript variant (3).
Genome position (GRCh38, 1-based): chr8:42,309,017, C>T. VCF-style: chr8-42309017-C-T. GRCh37 (hg19) VCF-style: chr8-42166535-C-T.
Other names: c.492C>T, p.Pro164= (NM_001190720.3); c.507C>T, p.Pro169= (NM_001242778.2).
Identifiers: ClinVar variation 2177717 (VCV002177717.9), dbSNP rs776369340, ClinGen allele CA4731742.

ClinVar aggregate classification (germline): Likely benign. Review status: criteria provided, multiple submitters, no conflicts (2 of 4 stars). 2 submissions from 2 submitters: Likely benign (2). Last evaluated 2025-12-01.

Conditions:
Severe combined immunodeficiency due to IKK2 deficiency. Also called: Immunodeficiency 15; IMMUNODEFICIENCY 15B. Identifiers: Orphanet 397787, MedGen C4747743, MONDO:0014267, OMIM 615592.

Allele frequency attached by ClinVar (database versions not stated): TOPMed 0.00001; ExAC 0.00003; gnomAD 0.00003.
gnomAD v4.1: 24 of 1,613,604 alleles (0.0015%); highest among the groups gnomAD compares: South Asian, 0.0044%; no homozygotes.

Submissions (2):

CeGaT Center for Human Genetics Tuebingen
Classification: Likely benign. Last evaluated: 2025-12-01. Review status: criteria provided, single submitter. Criteria: CeGaT Center For Human Genetics Tuebingen Variant Classification Criteria Version 2. Collection method: clinical testing. Allele origin: germline. Affected: yes. Observed: 1 variant allele.
Comment: IKBKB: BP4, BP7

Labcorp Genetics (formerly Invitae), Labcorp
Classification: Likely benign for Severe combined immunodeficiency due to IKK2 deficiency. Last evaluated: 2023-12-22. Review status: criteria provided, single submitter. Criteria: Invitae Variant Classification Sherloc (09022015). Collection method: clinical testing. Allele origin: germline.